The following is an entry in ClinVar:

ClinVar aggregate classification (germline): Likely benign. Review status: criteria provided, multiple submitters, no conflicts (2 of 4 stars). 5 submissions from 5 submitters: Likely benign (5). Last evaluated 2025-12-02.

Conditions:
Wilms tumor 1 (WT1). Also called: Wilms tumor, somatic. Identifiers: Orphanet 654, MedGen CN033288, MONDO:0008679, OMIM 194070.
Frasier syndrome. Identifiers: Orphanet 347, MedGen C0950122, MeSH D052159, MONDO:0007635, OMIM 136680.
Drash syndrome (DDS). Also called: WILMS TUMOR AND PSEUDO- OR TRUE HERMAPHRODITISM; NEPHROPATHY, WILMS TUMOR, AND GENITAL ANOMALIES. Identifiers: Orphanet 220, MedGen C0950121, MONDO:0008682, OMIM 194080.
11p partial monosomy syndrome (WAGR). Also called: WAGR Spectrum Disorder; WAGR syndrome; WAGR Complex; CHROMOSOME 11p13 DELETION SYNDROME. Identifiers: Orphanet 893, MedGen C0206115, MONDO:0008681, OMIM 194072.
Inborn genetic diseases. Identifiers: MedGen C0950123, MeSH D030342.

Allele frequency attached by ClinVar (database versions not stated): gnomAD 0.00001; gnomAD exomes 0.00002 and 0.00006; TOPMed 0.00002.
gnomAD v4.1: 76 of 1,532,848 alleles (0.005%); highest among the groups gnomAD compares: Non-Finnish European, 0.0065%; no homozygotes.

Submissions (5):

Labcorp Genetics (formerly Invitae), Labcorp
Classification: Likely benign for Wilms tumor 1; Drash syndrome; 11p partial monosomy syndrome; Frasier syndrome. Last evaluated: 2025-12-02. Review status: criteria provided, single submitter. Criteria: Invitae Variant Classification Sherloc (09022015). Collection method: clinical testing. Allele origin: germline.

Ambry Genetics
Classification: Likely benign for Inborn genetic diseases. Last evaluated: 2024-11-21. Review status: criteria provided, single submitter. Criteria: Ambry Variant Classification Scheme 2023. Collection method: clinical testing. Allele origin: germline.

Blueprint Genetics
Classification: Likely benign. Last evaluated: 2024-08-28. Review status: criteria provided, single submitter. Criteria: ACMG Guidelines, 2015. Collection method: clinical testing. Allele origin: germline.

All of Us Research Program, National Institutes of Health
Classification: Likely benign for Wilms tumor 1. Last evaluated: 2023-12-13. Review status: criteria provided, single submitter. Criteria: ACMG Guidelines, 2015. Collection method: clinical testing. Allele origin: germline. Inheritance: Autosomal dominant inheritance. Observed: 5 variant alleles, 5 heterozygotes.
Comment: This study involves interpretation of variants in research participants for the purpose of population health screening. Participant phenotype was not available at the time of variant classification. Additional details can be found in publication PMID: 35346344, PMCID: PMC8962531

CeGaT Center for Human Genetics Tuebingen
Classification: Likely benign. Last evaluated: 2023-01-01. Review status: criteria provided, single submitter. Criteria: CeGaT Center For Human Genetics Tuebingen Variant Classification Criteria Version 2. Collection method: clinical testing. Allele origin: germline. Affected: yes. Observed: 1 variant allele.
Comment: WT1: BP4, BP7

NM_024426.6(WT1):c.54G>A (p.Ala18=)

Genes: WT1 (WT1 transcription factor; minus strand), LOC107982234 (WT1/WT1-AS bi-directional promoter region; plus strand). Cytogenetic location: 11p13.
Variant type: single nucleotide variant.
Coding change: c.54G>A on transcript NM_024426.6 (MANE Select); coding-DNA position 54, G replaced by A.
Protein change: p.Ala18=; no amino-acid change (alanine 18 retained).
Molecular consequence: synonymous variant. On other transcripts: non-coding transcript variant (1).
Genome position (GRCh38, 1-based): chr11:32,435,307, C>T on the plus strand (G>A on the coding strand, the complement: WT1 is on the minus strand). VCF-style: chr11-32435307-C-T. GRCh37 (hg19) VCF-style: chr11-32456853-C-T.
Other names: c.54G>A, p.Ala18= (NM_000378.6, NM_024424.5).
Identifiers: ClinVar variation 696912 (VCV000696912.38), dbSNP rs1409626312, ClinGen allele CA473773425.